The following is an entry in ClinVar:

ClinVar aggregate classification (germline): Uncertain significance. Review status: criteria provided, multiple submitters, no conflicts (2 of 4 stars). 2 submissions from 2 submitters: Uncertain significance (2). Last evaluated 2024-10-24.

Allele frequency attached by ClinVar (database versions not stated): gnomAD exomes below 0.00001.
gnomAD v4.1: 6 of 1,613,904 alleles (0.00037%); highest among the groups gnomAD compares: Non-Finnish European, 0.00051%; no homozygotes.

Submissions (2):

Blueprint Genetics
Classification: Uncertain significance. Last evaluated: 2024-10-24. Review status: criteria provided, single submitter. Criteria: ACMG Guidelines, 2015. Collection method: clinical testing. Allele origin: germline.

GeneDx
Classification: Uncertain significance. Last evaluated: 2019-05-07. Review status: criteria provided, single submitter. Criteria: GeneDx Variant Classification Process June 2021. Collection method: clinical testing. Allele origin: germline. Affected: yes.
Comment: Not observed in large population cohorts (Lek et al., 2016); In silico analysis, which includes protein predictors and evolutionary conservation, supports that this variant does not alter protein structure/function; Has not been previously published as pathogenic or benign to our knowledge

NM_178857.6(RP1L1):c.2042C>T (p.Ser681Phe)

Gene: RP1L1 (RP1 like 1). Cytogenetic location: 8p23.1.
Variant type: single nucleotide variant.
Coding change: c.2042C>T on transcript NM_178857.6 (MANE Select); coding-DNA position 2042, C replaced by T.
Protein change: p.Ser681Phe; replaces serine 681 with phenylalanine.
Molecular consequence: missense variant.
Genome position (GRCh38, 1-based): chr8:10,612,056, G>A on the plus strand (C>T on the coding strand, the complement: RP1L1 is on the minus strand). VCF-style: chr8-10612056-G-A. GRCh37 (hg19) VCF-style: chr8-10469566-G-A.
Other names: short protein forms S681F.
Identifiers: ClinVar variation 1305427 (VCV001305427.3), dbSNP rs2117204011, ClinGen allele CA370292474.